The following is an entry in ClinVar:

NM_206933.4(USH2A):c.11978_11979delinsTT (p.Gly3993Val)

Gene: USH2A (usherin; minus strand). Cytogenetic location: 1q41.
Variant type: Indel.
Coding change: c.11978_11979delinsTT on transcript NM_206933.4 (MANE Select); coding-DNA positions 11978 to 11979, GC replaced by TT.
Protein change: p.Gly3993Val; replaces glycine 3993 with valine.
Molecular consequence: missense variant.
Genome position (GRCh38, 1-based): chr1:215,728,117-215,728,118, GC replaced by AA on the plus strand (GC replaced by TT on the coding strand, the reverse complement: USH2A is on the minus strand). VCF-style: chr1-215728117-GC-AA. GRCh37 (hg19) VCF-style: chr1-215901459-GC-AA.
Other names: short protein forms G3993V.
Identifiers: ClinVar variation 2004868 (VCV002004868.4), dbSNP rs2465049571, ClinGen allele CA2580062167.

ClinVar aggregate classification (germline): Uncertain significance (1 of 4 stars; one submission).

Submission:

Labcorp Genetics (formerly Invitae), Labcorp
Classification: Uncertain significance. Last evaluated: 2022-06-11. Review status: criteria provided, single submitter. Criteria: Invitae Variant Classification Sherloc (09022015). Collection method: clinical testing. Allele origin: germline.
Comment: In summary, the available evidence is currently insufficient to determine the role of this variant in disease. Therefore, it has been classified as a Variant of Uncertain Significance. Algorithms developed to predict the effect of missense changes on protein structure and function are either unavailable or do not agree on the potential impact of this missense change (SIFT: "Not Available"; PolyPhen-2: "Probably Damaging"; Align-GVGD: "Not Available"). This variant has not been reported in the literature in individuals affected with USH2A-related conditions. Information on the frequency of this variant in the gnomAD database is not available, as this variant may be reported differently in the database. This sequence change replaces glycine, which is neutral and non-polar, with valine, which is neutral and non-polar, at codon 3993 of the USH2A protein (p.Gly3993Val).